The following is an entry in ClinVar:

ClinVar aggregate classification (germline): Uncertain significance (1 of 4 stars; one submission).

Conditions:
Idiopathic generalized epilepsy. Also called: EIG; Generalised epilepsy. Identifiers: MedGen C0270850, MONDO:0005579, OMIM 600669.

Allele frequency attached by ClinVar (database versions not stated): gnomAD 0.00004; TOPMed 0.00006; gnomAD exomes 0.00001 and 0.00002; ExAC 0.00003.
gnomAD v4.1: 16 of 1,614,026 alleles (0.00099%); highest among the groups gnomAD compares: African/African-American, 0.017%; no homozygotes.

Submission:

Labcorp Genetics (formerly Invitae), Labcorp
Classification: Uncertain significance for Idiopathic generalized epilepsy. Last evaluated: 2025-11-24. Review status: criteria provided, single submitter. Criteria: Invitae Variant Classification Sherloc (09022015). Collection method: clinical testing. Allele origin: germline.
Comment: This sequence change replaces alanine, which is neutral and non-polar, with valine, which is neutral and non-polar, at codon 69 of the RBFOX1 protein (p.Ala69Val). This variant is present in population databases (rs767917479, gnomAD 0.03%). This variant has not been reported in the literature in individuals affected with RBFOX1-related conditions. ClinVar contains an entry for this variant (Variation ID: 939070). An algorithm developed to predict the effect of missense changes on protein structure and function (PolyPhen-2) suggests that this variant is likely to be disruptive. In summary, the available evidence is currently insufficient to determine the role of this variant in disease. Therefore, it has been classified as a Variant of Uncertain Significance.

NM_018723.4(RBFOX1):c.146C>T (p.Ala49Val)

Gene: RBFOX1 (RNA binding fox-1 homolog 1; plus strand). Cytogenetic location: 16p13.3.
Variant type: single nucleotide variant.
Coding change: c.146C>T on transcript NM_018723.4 (MANE Select); coding-DNA position 146, C replaced by T.
Protein change: p.Ala49Val; replaces alanine 49 with valine.
Molecular consequence: missense variant.
Genome position (GRCh38, 1-based): chr16:7,518,265, C>T. VCF-style: chr16-7518265-C-T. GRCh37 (hg19) VCF-style: chr16-7568267-C-T.
Other names: c.146C>T, p.Ala49Val (NM_001142333.2, NM_001142334.2, NM_001364800.2); c.275C>T, p.Ala92Val (NM_001308117.1); c.206C>T, p.Ala69Val (NM_145891.3, NM_145892.3, NM_145893.3); short protein forms A92V, A69V, A49V.
Identifiers: ClinVar variation 939070 (VCV000939070.10), dbSNP rs767917479, ClinGen allele CA7891335.